The following is an entry in ClinVar:

NM_001282680.3(GAPVD1):c.186-4_186-3del

Gene: GAPVD1 (GTPase activating protein and VPS9 domains 1; plus strand). Cytogenetic location: 9q33.3.
Variant type: Deletion.
Coding change: c.186-4_186-3del on transcript NM_001282680.3 (MANE Select); 4 bases into the intron before coding-DNA position 186 through 3 bases into the intron before coding-DNA position 186, 2 bases deleted (TT; older notation c.186-4_186-3delTT).
Molecular consequence: intron variant.
Genome position (GRCh38, 1-based): chr9:125,301,979-125,301,980, TT deleted; deleting any 2 consecutive bases within chr9:125,301,964-125,301,980 gives the same sequence; the c. name uses the placement nearest the transcript's 3' end. VCF-style (leftmost placement, unchanged base first): chr9-125301963-CTT-C. GRCh37 (hg19) VCF-style: chr9-128064242-CTT-C.
Other names: NC_000009.11:g.128064258_128064259del; c.186-4_186-3del (NM_001354296.2, NM_001354301.2, NM_001354297.2 and 11 more transcripts).
Identifiers: ClinVar variation 3055624 (VCV003055624.3), dbSNP rs397893733, ClinGen allele CA5239912.

ClinVar aggregate classification (germline): Benign (0 of 4 stars; one submission).

Conditions:
GAPVD1-related disorder. Also called: GAPVD1-related condition.

Submissions (5):

PreventionGenetics, part of Exact Sciences
Classification: Benign for GAPVD1-related condition. Last evaluated: 2020-01-09. Review status: no assertion criteria provided. Collection method: clinical testing. Allele origin: germline.
Comment: This variant is classified as benign based on ACMG/AMP sequence variant interpretation guidelines (Richards et al. 2015 PMID: 25741868, with internal and published modifications).

Dr. Peter K. Rogan Lab, Western University
No classification provided (evidence only). Condition: Colon adenocarcinoma. Review status: no classification provided. Collection method: in vitro. Allele origin: not applicable. Functional consequence: retained intron. Not counted in ClinVar's aggregate classification.

Dr. Peter K. Rogan Lab, Western University
No classification provided (evidence only). Condition: Colon adenocarcinoma. Review status: no classification provided. Collection method: in vitro. Allele origin: not applicable. Functional consequence: retained intron. Not counted in ClinVar's aggregate classification.

Dr. Peter K. Rogan Lab, Western University
No classification provided (evidence only). Condition: Colorectal cancer. Review status: no classification provided. Collection method: in vitro. Allele origin: not applicable. Functional consequence: retained intron. Not counted in ClinVar's aggregate classification.

Dr. Peter K. Rogan Lab, Western University
No classification provided (evidence only). Condition: Malignant tumor of esophagus. Review status: no classification provided. Collection method: in vitro. Allele origin: not applicable. Functional consequence: retained intron. Not counted in ClinVar's aggregate classification.